The following is an entry in ClinVar:

ClinVar aggregate classification (germline): Pathogenic (0 of 4 stars; one submission).

Conditions:
Alkaptonuria (AKU). Also called: Alkaptonuric ochronosis; Homogentisic acidura; Alcaptonuria; HOMOGENTISIC ACID OXIDASE DEFICIENCY. Identifiers: Orphanet 56, MedGen C0002066, MONDO:0008753, OMIM 203500.

gnomAD v4.1: 1 of 1,614,010 alleles (0.000062%); highest among the groups gnomAD compares: Non-Finnish European, 0.000085%; no homozygotes.

Submission:

Department Of Human Genetics, Institute Of Clinical And Translational Research, Biomedical Research Center, Slovak Academy Of Sciences
Classification: Pathogenic for Alkaptonuria. Review status: no assertion criteria provided. Collection method: research. Allele origin: germline. Inheritance: Autosomal recessive inheritance. Affected: yes. Observed: 2 variant alleles.
Comment: The variant was originally described in AKU patient in PMID:23430897. It has been submitted to the HGD gene mutation database (DB-ID: AKU_00094).

Literature cited by the submitters: PubMed 23430897.

NM_000187.4(HGD):c.1079G>C (p.Gly360Ala)

Gene: HGD (homogentisate 1,2-dioxygenase; minus strand). Cytogenetic location: 3q13.33.
Variant type: single nucleotide variant.
Coding change: c.1079G>C on transcript NM_000187.4 (MANE Select); coding-DNA position 1079, G replaced by C.
Protein change: p.Gly360Ala; replaces glycine 360 with alanine.
Molecular consequence: missense variant.
Genome position (GRCh38, 1-based): chr3:120,633,256, C>G on the plus strand (G>C on the coding strand, the complement: HGD is on the minus strand). VCF-style: chr3-120633256-C-G. GRCh37 (hg19) VCF-style: chr3-120352103-C-G.
Other names: short protein forms G360A.
Identifiers: ClinVar variation 2627686 (VCV002627686.1), dbSNP rs1172885188, ClinGen allele CA354072882.
Genomic context (GRCh38, chr3:120,633,256, plus strand): 5'-TTCTCAAAGCAGTCAGCATCAGGTCCATGGGGGGTCATTGTGCTGTGTAGACTCCCTCCC[C>G]CTGGCAGGAACCCACCTTGCTTTGCCTCATAGTGACCTCGGATGAGTCCCATGAACTCAC-3'
Protein context (NP_000178.2, residues 350-370): YEAKQGGFLP[Gly360Ala]GGSLHSTMTP